The following is an entry in ClinVar:

ClinVar aggregate classification (germline): Likely pathogenic. Review status: reviewed by expert panel (3 of 4 stars). 2 submissions from 2 submitters: Likely pathogenic (1). 1 of the submissions does not count toward it. Last evaluated 2024-05-02.

Conditions:
Glanzmann thrombasthenia. Also called: BLEEDING DISORDER, PLATELET-TYPE, 2; THROMBASTHENIA OF GLANZMANN AND NAEGELI; Thrombasthenia; PLATELET GLYCOPROTEIN IIb-IIIa DEFICIENCY; Glanzmann's thrombasthenia. Identifiers: Orphanet 849, MedGen C0040015, MONDO:0100326.

Submissions (2):

ClinGen Platelet Disorders Variant Curation Expert Panel, ClinGen
Classification: Likely pathogenic for Glanzmann thrombasthenia. Last evaluated: 2024-05-02. Review status: reviewed by expert panel. Criteria: ClinGen Platelet ACMG Specifications v2-1. Collection method: curation. Allele origin: germline. Inheritance: Autosomal recessive inheritance.
Comment: The frameshift variant NM_000212.3(ITGB3):c.325del (p.Val109SerfsTer?) is predicted to cause a premature stop codon in biologically-relevant-exon 4/15 and is predicted to lead to nonsense mediated decay in a gene in which loss-of-function is an established mechanism (PVS1). The variant is absent from gnomADv4.0.0 (PM2_supporting). The variant has been found in at least one individual with GT, ClinVar entry (SCV000891200.1) by the Molecular Diagnostics Laboratory, M Health Fairview: University of Minnesota. The patient had bleeding since childhood, abnormal aggregation, and flow cytometry low levels of GPIIb/IIIa. Patient information is consistent with GT but insufficient for PP4. In summary, this variant meets the criteria to be classified as Likely Pathogenic for autosomal recessive Glanzmann Thrombasthenia based on the ACMG/AMP criteria applied, as specified by the ClinGen PD VCEP: PVS1 and PM2_supporting (VCEP specifications version 2.1.0).

Molecular Diagnostics Laboratory, M Health Fairview: University of Minnesota
Classification: Likely pathogenic for Glanzmann thrombasthenia 1. Last evaluated: 2017-12-21. Review status: criteria provided, single submitter. Criteria: ACMG Guidelines, 2015. Collection method: clinical testing. Allele origin: germline. Affected: yes. Observed: 1 variant allele. Not counted in ClinVar's aggregate classification.

NM_000212.3(ITGB3):c.325del (p.Val109fs)

Gene: ITGB3 (integrin subunit beta 3; plus strand). Cytogenetic location: 17q21.32.
Variant type: Deletion.
Coding change: c.325del on transcript NM_000212.3 (MANE Select); coding-DNA position 325, one base deleted (G; older notation c.325delG).
Protein change: p.Val109fs; shifts the reading frame from valine 109.
Molecular consequence: frameshift variant.
Genome position (GRCh38, 1-based): chr17:47,283,513, G deleted. VCF-style (leftmost placement, unchanged base first): chr17-47283512-AG-A. GRCh37 (hg19) VCF-style: chr17-45360878-AG-A.
Other names: NM_000212.3(ITGB3):c.325del; p.Val109fs; c.325delG (NM_000212.2); short protein forms V109fs.
Identifiers: ClinVar variation 623142 (VCV000623142.2), dbSNP rs1567764064, ClinGen allele CA913190317.